The following is an entry in ClinVar:

ClinVar aggregate classification (germline): Benign/Likely benign. Review status: criteria provided, multiple submitters, no conflicts (2 of 4 stars). 4 submissions from 4 submitters: Benign (1); Likely benign (3). Last evaluated 2025-11-29.

Conditions:
Familial cancer of breast. Also called: BREAST CANCER, FAMILIAL; hereditary breast carcinoma; Hereditary breast cancer. Identifiers: Orphanet 227535, MedGen C0346153, MONDO:0016419, OMIM 114480. Disease mechanism: loss of function.
Hereditary cancer-predisposing syndrome. Also called: Neoplastic Syndromes, Hereditary; Tumor predisposition; Hereditary Cancer Syndrome; Hereditary neoplastic syndrome. Identifiers: Orphanet 140162, MedGen C0027672, MeSH D009386, MONDO:0015356.

Allele frequency attached by ClinVar (database versions not stated): gnomAD exomes below 0.00001; TOPMed below 0.00001.
gnomAD v4.1: 2 of 1,613,554 alleles (0.00012%); highest among the groups gnomAD compares: Non-Finnish European, 0.00017%; no homozygotes.

Submissions (4):

Labcorp Genetics (formerly Invitae), Labcorp
Classification: Likely benign for Familial cancer of breast. Last evaluated: 2025-11-29. Review status: criteria provided, single submitter. Criteria: Invitae Variant Classification Sherloc (09022015). Collection method: clinical testing. Allele origin: germline.

Myriad Genetics, Inc.
Classification: Benign for Familial cancer of breast. Last evaluated: 2025-01-17. Review status: criteria provided, single submitter. Criteria: Myriad Autosomal Dominant, Autosomal Recessive and X-Linked Classification Criteria (2023). Collection method: clinical testing. Allele origin: unknown.
Comment: This variant is considered benign. This variant is a silent/synonymous amino acid change and it is not expected to impact splicing.

Color Diagnostics, LLC DBA Color Health
Classification: Likely benign for Hereditary cancer-predisposing syndrome. Last evaluated: 2021-07-29. Review status: criteria provided, single submitter. Criteria: ACMG Guidelines, 2015. Collection method: clinical testing. Allele origin: germline.

Ambry Genetics
Classification: Likely benign for Hereditary cancer-predisposing syndrome. Last evaluated: 2015-08-05. Review status: criteria provided, single submitter. Criteria: Ambry Variant Classification Scheme 2023. Collection method: clinical testing. Allele origin: germline.

NM_024675.4(PALB2):c.2850C>T (p.Ser950=)

Gene: PALB2 (partner and localizer of BRCA2; minus strand). Cytogenetic location: 16p12.2.
Variant type: single nucleotide variant.
Coding change: c.2850C>T on transcript NM_024675.4 (MANE Select); coding-DNA position 2850, C replaced by T.
Protein change: p.Ser950=; no amino-acid change (serine 950 retained).
Molecular consequence: synonymous variant.
Genome position (GRCh38, 1-based): chr16:23,623,115, G>A on the plus strand (C>T on the coding strand, the complement: PALB2 is on the minus strand). VCF-style: chr16-23623115-G-A. GRCh37 (hg19) VCF-style: chr16-23634436-G-A.
Identifiers: ClinVar variation 233355 (VCV000233355.19), dbSNP rs876660352, ClinGen allele CA10579946.